The following is an entry in ClinVar:

NM_000193.4(SHH):c.388G>T (p.Glu130Ter)

Gene: SHH (sonic hedgehog signaling molecule; minus strand). Cytogenetic location: 7q36.3.
Variant type: single nucleotide variant.
Coding change: c.388G>T on transcript NM_000193.4 (MANE Select); coding-DNA position 388, G replaced by T.
Protein change: p.Glu130Ter; replaces glutamic acid 130 with a stop codon.
Molecular consequence: nonsense. On other transcripts: non-coding transcript variant (2).
Genome position (GRCh38, 1-based): chr7:155,806,470, C>A on the plus strand (G>T on the coding strand, the complement: SHH is on the minus strand). VCF-style: chr7-155806470-C-A. GRCh37 (hg19) VCF-style: chr7-155599164-C-A.
Other names: c.127G>T, p.Glu43Ter (NM_001310462.2); short protein forms E130*, E43*.
Identifiers: ClinVar variation 3775129 (VCV003775129.1).
Genomic context (GRCh38, chr7:155,806,470, plus strand): 5'-TGGTGATGTCCACTGCGCGGCCCTCGTAGTGCAGAGACTCCTCTGAGTGGTGGCCATCTT[C>A]GTCCCAGCCCTCGGTCACCCGCAGTTTCACTCCTGGCCACTGGTTCATCACCGAGATGGC-3'

ClinVar aggregate classification (germline): Pathogenic (1 of 4 stars; one submission).

Conditions:
Holoprosencephaly 3 (HPE3). Identifiers: Orphanet 2162, MedGen C1840529, MONDO:0007733, OMIM 142945.

Submission:

Laboratory of Molecular Genetics, CHU Rennes
Classification: Pathogenic for Holoprosencephaly 3. Last evaluated: 2025-02-27. Review status: criteria provided, single submitter. Criteria: ACMG Guidelines, 2015. Collection method: clinical testing. Allele origin: paternal. Inheritance: Oligogenic inheritance. Affected: yes.
Comment: The NM_000193.4:c.388G>T, is a nonsense variant in SHH which is predicted to result in a premature stop codon at position 158, and likely results in an absent or disrupted protein product (PVS1). This variant is not present in gnomAD (PM2).